The following is an entry in ClinVar:

ClinVar aggregate classification (germline): Uncertain significance (1 of 4 stars; one submission).
ClinVar aggregate classification (somatic clinical impact): Tier II - Potential. Review status: criteria provided, single submitter (1 of 4 stars). 2 submissions from 1 submitter. Last evaluated 2025-06-17.

Conditions:
Oculofaciocardiodental syndrome (MCOPS2). Identifiers: Orphanet 2712, MedGen C1846265, MONDO:0010261, OMIM 300166.
Diffuse glioma, H3 G34 mutant. Identifiers: MedGen CN377580, MONDO:0957197.
Embryonal rhabdomyosarcoma (ERMS). Also called: Botryoid rhabdomyosarcoma (type of ERMS); Spindle cell rhabdomyosarcomas (type of ERMS). Identifiers: Orphanet 99757, MedGen C0206656, MONDO:0009993, HP:0006743.

Submissions (5):

Institute for Genomic Medicine (IGM) Clinical Laboratory, Nationwide Children's Hospital
Classification: Tier II - Potential for Diffuse glioma, H3 G34 mutant. Assertion type: diagnostic. Clinical significance: supports diagnosis. Last evaluated: 2025-06-17. Review status: criteria provided, single submitter. Criteria: AMP/ASCO/CAP Guidelines, 2017. Collection method: clinical testing. Allele origin: somatic. Affected: yes.
Comment: Variant has Tier II (potential) clinical significance as a diagnostic inclusion criterion in diffuse glioma, H3 G34 mutant, based on the following evidence: 1) Documented in one or more cancer databases (e.g., St. Jude Pecan, COSMIC, CIViC, OncoKB). 2) Assists in diagnosis alone or along with other biomarkers based on small studies or few case reports (Evidence Level D; PMIDs: 24705251, 28912153, 28966033, 29763623).

Institute for Genomic Medicine (IGM) Clinical Laboratory, Nationwide Children's Hospital
Classification: Tier II - Potential for Embryonal rhabdomyosarcoma. Assertion type: diagnostic. Clinical significance: supports diagnosis. Last evaluated: 2024-05-24. Review status: criteria provided, single submitter. Criteria: AMP/ASCO/CAP Guidelines, 2017. Collection method: clinical testing. Allele origin: somatic. Affected: yes.
Comment: Variant has Tier II (potential) clinical significance as a diagnostic inclusion criterion in embryonal rhabdomyosarcoma, based on the following evidence: 1) Documented in one or more cancer databases (e.g., St. Jude Pecan, COSMIC, CIViC, OncoKB). 2) Appears in one or more well-established professional guidelines (e.g., World Health Organization [WHO]; National Comprehensive Cancer Network [NCCN]) as providing diagnostic, prognostic, or therapeutic information. 3) Assists in diagnosis alone or along with other biomarkers based on small studies or few case reports (Evidence Level D; PMIDs: 24436047, 34166060, 26138366, 25768946).

Labcorp Genetics (formerly Invitae), Labcorp
Classification: Uncertain significance for Oculofaciocardiodental syndrome. Last evaluated: 2022-05-28. Review status: criteria provided, single submitter. Criteria: Invitae Variant Classification Sherloc (09022015). Collection method: clinical testing. Allele origin: germline.
Comment: In summary, the available evidence is currently insufficient to determine the role of this variant in disease. Therefore, it has been classified as a Variant of Uncertain Significance. Algorithms developed to predict the effect of sequence changes on RNA splicing suggest that this variant may create or strengthen a splice site. Algorithms developed to predict the effect of missense changes on protein structure and function (SIFT, PolyPhen-2, Align-GVGD) all suggest that this variant is likely to be disruptive. This variant has not been reported in the literature in individuals affected with BCOR-related conditions. This variant is not present in population databases (gnomAD no frequency). This sequence change replaces arginine, which is basic and polar, with tryptophan, which is neutral and slightly polar, at codon 1341 of the BCOR protein (p.Arg1341Trp).

Dr. Peter K. Rogan Lab, Western University
No classification provided (evidence only). Condition: Colon adenocarcinoma. Review status: no classification provided. Collection method: in vitro. Allele origin: not applicable. Functional consequence: cryptic splice site. Not counted in ClinVar's aggregate classification.

Dr. Peter K. Rogan Lab, Western University
No classification provided (evidence only). Condition: Gastric cancer. Review status: no classification provided. Collection method: in vitro. Allele origin: not applicable. Functional consequence: retained intron. Not counted in ClinVar's aggregate classification.

Literature cited by the submitters: PubMed 24705251 (cited by Institute for Genomic Medicine (IGM) Clinical Laboratory, Nationwide Children's Hospital); PubMed 28912153 (cited by Institute for Genomic Medicine (IGM) Clinical Laboratory, Nationwide Children's Hospital); PubMed 28966033 (cited by Institute for Genomic Medicine (IGM) Clinical Laboratory, Nationwide Children's Hospital); PubMed 29763623 (cited by Institute for Genomic Medicine (IGM) Clinical Laboratory, Nationwide Children's Hospital); PubMed 24436047 (cited by Institute for Genomic Medicine (IGM) Clinical Laboratory, Nationwide Children's Hospital); PubMed 34166060 (cited by Institute for Genomic Medicine (IGM) Clinical Laboratory, Nationwide Children's Hospital); PubMed 26138366 (cited by Institute for Genomic Medicine (IGM) Clinical Laboratory, Nationwide Children's Hospital); PubMed 25768946 (cited by Institute for Genomic Medicine (IGM) Clinical Laboratory, Nationwide Children's Hospital).

NM_001123385.2(BCOR):c.4123C>T (p.Arg1375Trp)

Gene: BCOR (BCL6 corepressor; minus strand). Cytogenetic location: Xp11.4.
Variant type: single nucleotide variant.
Coding change: c.4123C>T on transcript NM_001123385.2 (MANE Select); coding-DNA position 4123, C replaced by T.
Protein change: p.Arg1375Trp; replaces arginine 1375 with tryptophan.
Molecular consequence: missense variant.
Genome position (GRCh38, 1-based): chrX:40,062,796, G>A on the plus strand (C>T on the coding strand, the complement: BCOR is on the minus strand). VCF-style: chrX-40062796-G-A. GRCh37 (hg19) VCF-style: chrX-39922049-G-A.
Other names: c.4021C>T, p.Arg1341Trp (NM_001123383.2, NM_017745.6); c.3967C>T, p.Arg1323Trp (NM_001123384.2); short protein forms R1323W, R1341W, R1375W.
Identifiers: ClinVar variation 2170072 (VCV002170072.6), dbSNP rs1343680559, ClinGen allele CA412736429.